The following is an entry in ClinVar:

ClinVar aggregate classification (germline): Uncertain significance (1 of 4 stars; one submission).

gnomAD v4.1: 4 of 1,606,448 alleles (0.00025%); highest among the groups gnomAD compares: East Asian, 0.0067%; no homozygotes.

Submission:

Labcorp Genetics (formerly Invitae), Labcorp
Classification: Uncertain significance. Last evaluated: 2025-05-22. Review status: criteria provided, single submitter. Criteria: Invitae Variant Classification Sherloc (09022015). Collection method: clinical testing. Allele origin: germline.
Comment: This sequence change replaces arginine, which is basic and polar, with serine, which is neutral and polar, at codon 20 of the TNFRSF9 protein (p.Arg20Ser). This variant is present in population databases (rs148154405, gnomAD 0.01%). This variant has not been reported in the literature in individuals affected with TNFRSF9-related conditions. An algorithm developed to predict the effect of missense changes on protein structure and function (PolyPhen-2) suggests that this variant is likely to be disruptive. In summary, the available evidence is currently insufficient to determine the role of this variant in disease. Therefore, it has been classified as a Variant of Uncertain Significance.

NM_001561.6(TNFRSF9):c.60G>T (p.Arg20Ser)

Gene: TNFRSF9 (TNF receptor superfamily member 9; minus strand). Cytogenetic location: 1p36.23.
Variant type: single nucleotide variant.
Coding change: c.60G>T on transcript NM_001561.6 (MANE Select); coding-DNA position 60, G replaced by T.
Protein change: p.Arg20Ser; replaces arginine 20 with serine.
Molecular consequence: missense variant.
Genome position (GRCh38, 1-based): chr1:7,939,935, C>A on the plus strand (G>T on the coding strand, the complement: TNFRSF9 is on the minus strand). VCF-style: chr1-7939935-C-A. GRCh37 (hg19) VCF-style: chr1-7999995-C-A.
Other names: short protein forms R20S.
Identifiers: ClinVar variation 4768109 (VCV004768109.1).
Genomic context (GRCh38, chr1:7,939,935, plus strand): 5'-CATGATAACTGGGTACTCACCAGCTGGGCAGTTACTACAAGGATCCTGCAATGATCTTGT[C>A]CTCTCAAAGTTGAGGACCAGCAACAGAGTGGCTACTATGTTGTAACAGCTGTTTCCCATG-3'
Protein context (NP_001552.2, residues 10-30): ATLLLVLNFE[Arg20Ser]TRSLQDPCSN